The following is an entry in ClinVar:

NM_000266.4(NDP):c.118A>G (p.Met40Val)

Genes: NDP (norrin cystine knot growth factor NDP; minus strand), NDP-AS1 (NDP antisense RNA 1; plus strand). Cytogenetic location: Xp11.3.
Variant type: single nucleotide variant.
Coding change: c.118A>G on transcript NM_000266.4 (MANE Select); coding-DNA position 118, A replaced by G.
Protein change: p.Met40Val; replaces methionine 40 with valine.
Molecular consequence: missense variant.
Genome position (GRCh38, 1-based): chrX:43,958,528, T>C on the plus strand (A>G on the coding strand, the complement: NDP is on the minus strand). VCF-style: chrX-43958528-T-C. GRCh37 (hg19) VCF-style: chrX-43817774-T-C.
Other names: short protein forms M40V.
Identifiers: ClinVar variation 2169644 (VCV002169644.4), dbSNP rs2519320503, ClinGen allele CA413009072.

ClinVar aggregate classification (germline): Likely pathogenic (1 of 4 stars; one submission).

Submission:

Labcorp Genetics (formerly Invitae), Labcorp
Classification: Likely pathogenic. Last evaluated: 2025-02-24. Review status: criteria provided, single submitter. Criteria: Invitae Variant Classification Sherloc (09022015). Collection method: clinical testing. Allele origin: germline.
Comment: This sequence change replaces methionine, which is neutral and non-polar, with valine, which is neutral and non-polar, at codon 40 of the NDP protein (p.Met40Val). This variant is not present in population databases (gnomAD no frequency). This missense change has been observed in individual(s) with X-linked exudative vitreoretinopathy (PMID: 30768221, 35277167; internal data). It has also been observed to segregate with disease in related individuals. ClinVar contains an entry for this variant (Variation ID: 2169644). Invitae Evidence Modeling of protein sequence and biophysical properties (such as structural, functional, and spatial information, amino acid conservation, physicochemical variation, residue mobility, and thermodynamic stability) has been performed for this missense variant. However, the output from this modeling did not meet the statistical confidence thresholds required to predict the impact of this variant on NDP protein function. In summary, the currently available evidence indicates that the variant is pathogenic, but additional data are needed to prove that conclusively. Therefore, this variant has been classified as Likely Pathogenic.

Literature cited by the submitters: PubMed 30768221; PubMed 35277167.